The following is an entry in ClinVar:

NM_031476.4(CRISPLD2):c.981C>T (p.Ser327=)

Gene: CRISPLD2 (cysteine rich secretory protein LCCL domain containing 2; plus strand). Cytogenetic location: 16q24.1.
Variant type: single nucleotide variant.
Coding change: c.981C>T on transcript NM_031476.4 (MANE Select); coding-DNA position 981, C replaced by T.
Protein change: p.Ser327=; no amino-acid change (serine 327 retained).
Molecular consequence: synonymous variant.
Genome position (GRCh38, 1-based): chr16:84,872,508, C>T. VCF-style: chr16-84872508-C-T. GRCh37 (hg19) VCF-style: chr16-84906114-C-T.
Other names: NC_000016.9:g.84906114C>T.
Identifiers: ClinVar variation 3052312 (VCV003052312.3), dbSNP rs184877327, ClinGen allele CA8211824.

ClinVar aggregate classification (germline): Benign (0 of 4 stars; one submission).

Conditions:
CRISPLD2-related disorder. Also called: CRISPLD2-related condition.

Allele frequency attached by ClinVar (database versions not stated): gnomAD exomes 0.00015; gnomAD 0.00029; TOPMed 0.00031; ExAC 0.00087; 1000 Genomes Project 30x 0.00141; 1000 Genomes Project 0.00160.
gnomAD v4.1: 279 of 1,613,038 alleles (0.017%); highest among the groups gnomAD compares: East Asian, 0.55%; 1 homozygote.

Submissions (2):

PreventionGenetics, part of Exact Sciences
Classification: Benign for CRISPLD2-related condition. Last evaluated: 2019-08-27. Review status: no assertion criteria provided. Collection method: clinical testing. Allele origin: germline.
Comment: This variant is classified as benign based on ACMG/AMP sequence variant interpretation guidelines (Richards et al. 2015 PMID: 25741868, with internal and published modifications).

Dr. Peter K. Rogan Lab, Western University
No classification provided (evidence only). Condition: Gastric cancer. Review status: no classification provided. Collection method: in vitro. Allele origin: not applicable. Functional consequence: retained intron. Not counted in ClinVar's aggregate classification.